The following is an entry in ClinVar:

NM_001128840.3(CACNA1D):c.928G>C (p.Ala310Pro)

Gene: CACNA1D (calcium voltage-gated channel subunit alpha1 D; plus strand). Cytogenetic location: 3p21.1.
Variant type: single nucleotide variant.
Coding change: c.928G>C on transcript NM_001128840.3 (MANE Select); coding-DNA position 928, G replaced by C.
Protein change: p.Ala310Pro; replaces alanine 310 with proline.
Molecular consequence: missense variant.
Genome position (GRCh38, 1-based): chr3:53,666,347, G>C. VCF-style: chr3-53666347-G-C. GRCh37 (hg19) VCF-style: chr3-53700374-G-C.
Other names: c.928G>C, p.Ala310Pro (NM_000720.4, NM_001128839.3); short protein forms A310P.
Identifiers: ClinVar variation 1955618 (VCV001955618.5), dbSNP rs1026156097, ClinGen allele CA75072357.
Genomic context (GRCh38, chr3:53,666,347, plus strand): 5'-ATTTCCTGATGTTTCTGTCCTGAGCGGTACAGCCTGTTTGCTCTGTTTGCAGATATCGTA[G>C]CTGAAGAGGACCCAGCTCCATGTGCGTTCTCAGGGAATGGACGCCAGTGTACTGCCAATG-3'
Protein context (NP_001122312.1, residues 300-320): TCFFADSDIV[Ala310Pro]EEDPAPCAFS

ClinVar aggregate classification (germline): Uncertain significance (1 of 4 stars; one submission).

Allele frequency attached by ClinVar (database versions not stated): gnomAD 0.00001; gnomAD exomes 0.00001.
gnomAD v4.1: 10 of 1,613,808 alleles (0.00062%); highest among the groups gnomAD compares: African/African-American, 0.0013%; no homozygotes.

Submission:

Labcorp Genetics (formerly Invitae), Labcorp
Classification: Uncertain significance. Last evaluated: 2023-08-06. Review status: criteria provided, single submitter. Criteria: Invitae Variant Classification Sherloc (09022015). Collection method: clinical testing. Allele origin: germline.
Comment: This sequence change replaces alanine, which is neutral and non-polar, with proline, which is neutral and non-polar, at codon 310 of the CACNA1D protein (p.Ala310Pro). This variant is not present in population databases (gnomAD no frequency). This variant has not been reported in the literature in individuals affected with CACNA1D-related conditions. ClinVar contains an entry for this variant (Variation ID: 1955618). An algorithm developed to predict the effect of missense changes on protein structure and function (PolyPhen-2) suggests that this variant is likely to be disruptive. In summary, the available evidence is currently insufficient to determine the role of this variant in disease. Therefore, it has been classified as a Variant of Uncertain Significance.